The following is an entry in ClinVar:

ClinVar aggregate classification (germline): Uncertain significance (1 of 4 stars; one submission).

Conditions:
Hereditary cancer-predisposing syndrome. Also called: Neoplastic Syndromes, Hereditary; Tumor predisposition; Hereditary neoplastic syndrome; Hereditary Cancer Syndrome. Identifiers: Orphanet 140162, MedGen C0027672, MeSH D009386, MONDO:0015356.

Submission:

Ambry Genetics
Classification: Uncertain significance for Hereditary cancer-predisposing syndrome. Last evaluated: 2026-08-18. Review status: criteria provided, single submitter. Criteria: Ambry Variant Classification Scheme 2023. Collection method: clinical testing. Allele origin: germline.
Comment: The p.N81K variant (also known as c.243T>G), located in coding exon 3 of the SDHB gene, results from a T to G substitution at nucleotide position 243. The asparagine at codon 81 is replaced by lysine, an amino acid with similar properties. This amino acid position is conserved. In addition, the in silico prediction for this alteration is inconclusive. Based on the available evidence, the clinical significance of this variant remains unclear.

NM_003000.3(SDHB):c.243T>G (p.Asn81Lys)

Gene: SDHB (succinate dehydrogenase complex iron sulfur subunit B; minus strand). Cytogenetic location: 1p36.13.
Variant type: single nucleotide variant.
Coding change: c.243T>G on transcript NM_003000.3 (MANE Select); coding-DNA position 243, T replaced by G.
Protein change: p.Asn81Lys; replaces asparagine 81 with lysine.
Molecular consequence: missense variant.
Genome position (GRCh38, 1-based): chr1:17,033,103, A>C on the plus strand (T>G on the coding strand, the complement: SDHB is on the minus strand). VCF-style: chr1-17033103-A-C. GRCh37 (hg19) VCF-style: chr1-17359598-A-C.
Other names: c.243T>G, p.Asn81Lys (NM_001407361.1); short protein forms N81K.
Identifiers: ClinVar variation 5029288 (VCV005029288.1).